The following is an entry in ClinVar:

ClinVar aggregate classification (germline): Uncertain significance (1 of 4 stars; one submission).

Conditions:
Ayme-Gripp syndrome. Also called: Aymé-Gripp Syndrome. Identifiers: MedGen C1832812, MONDO:0010992, OMIM 601088.

Submission:

Victorian Clinical Genetics Services, Murdoch Childrens Research Institute
Classification: Uncertain significance for Ayme-Gripp syndrome. Last evaluated: 2020-07-02. Review status: criteria provided, single submitter. Criteria: ACMG Guidelines, 2015. Collection method: clinical testing. Allele origin: germline. Inheritance: Autosomal dominant inheritance.
Comment: Based on the classification scheme VCGS_Germline_v1.1.1, this variant is classified as 3B-VUS. Following criteria are met: 0103 - Both loss- and gain-of-function are likely mechanisms of disease for this gene. Variants within the C-terminus are associated with ocular disease and may lead to loss-of-function of the protein. While variants within the N-terminus are associated with Ayme-Gripp syndrome and have been shown to result in protein stabilization (PMID: 25064449, 30659945, 25865493). (N) 0107 - This gene is known to be associated with autosomal dominant disease. (N) 0200 - Variant is predicted to result in a missense amino acid change from glycine to cysteine (exon 1). (N) 0251 - Variant is heterozygous. (N) 0301 - Variant is absent from gnomAD (v3). (P) 0309 - Multiple alternative amino acid changes at the same position has been observed in gnomAD (v3; 2 heterozygotes, 0 homozygotes). (N) 0502 - Missense variant with conflicting in silico predictions and/or uninformative conservation. (N) 0604 - Variant is not located in an established domain, motif, hotspot or informative constraint region. (N) 0705 - No comparable variants have previous evidence for pathogenicity. (N) 0807 - Variant has not previously been reported in a clinical context. (N) 0905 - No segregation evidence has been identified for this variant. (N) 1007 - No published functional evidence has been identified for this variant. (N) 1208 - Inheritance information for this variant is not currently available. (N) Legend: (P) - Pathogenic, (N) - Neutral, (B) - Benign

Literature cited by the submitters: PubMed 25064449; PubMed 25865493; PubMed 30659945.

NM_005360.5(MAF):c.712G>T (p.Gly238Cys)

Gene: MAF (MAF bZIP transcription factor; minus strand). Cytogenetic location: 16q23.2.
Variant type: single nucleotide variant.
Coding change: c.712G>T on transcript NM_005360.5 (MANE Select); coding-DNA position 712, G replaced by T.
Protein change: p.Gly238Cys; replaces glycine 238 with cysteine.
Molecular consequence: missense variant.
Genome position (GRCh38, 1-based): chr16:79,599,191, C>A on the plus strand (G>T on the coding strand, the complement: MAF is on the minus strand). VCF-style: chr16-79599191-C-A. GRCh37 (hg19) VCF-style: chr16-79633088-C-A.
Other names: c.712G>T, p.Gly238Cys (NM_001031804.3); short protein forms G238C.
Identifiers: ClinVar variation 1805709 (VCV001805709.1), dbSNP rs1764753196, ClinGen allele CA396535382.